The following is an entry in ClinVar:

NM_024757.5(EHMT1):c.1162G>A (p.Ala388Thr)

Gene: EHMT1 (euchromatic histone lysine methyltransferase 1; plus strand). Cytogenetic location: 9q34.3.
Variant type: single nucleotide variant.
Coding change: c.1162G>A on transcript NM_024757.5 (MANE Select); coding-DNA position 1162, G replaced by A.
Protein change: p.Ala388Thr; replaces alanine 388 with threonine.
Molecular consequence: missense variant.
Genome position (GRCh38, 1-based): chr9:137,744,082, G>A. VCF-style: chr9-137744082-G-A. GRCh37 (hg19) VCF-style: chr9-140638534-G-A.
Other names: c.1162G>A, p.Ala388Thr (NM_001145527.2, NM_001354611.2); c.1069G>A, p.Ala357Thr (NM_001354259.2, NM_001354612.2); c.1141G>A, p.Ala381Thr (NM_001354263.2); short protein forms A388T, A357T, A381T.
Identifiers: ClinVar variation 128975 (VCV000128975.26), dbSNP rs11137198, ClinGen allele CA152698.

ClinVar aggregate classification (germline): Benign. Review status: criteria provided, multiple submitters, no conflicts (2 of 4 stars). 6 submissions from 6 submitters: Benign (5). 1 of the submissions does not count toward it. Last evaluated 2026-02-03.

Conditions:
Inborn genetic diseases. Identifiers: MedGen C0950123, MeSH D030342.
Kleefstra syndrome 1 (KLEFS1). Identifiers: Orphanet 261494, MedGen C0795833, MONDO:0027407, OMIM 610253.

Allele frequency attached by ClinVar (database versions not stated): gnomAD 0.01217; ESP Exome Variant Server 0.01561; 1000 Genomes Project 0.00679; 1000 Genomes Project 30x 0.00718; TOPMed 0.01196.
gnomAD v4.1: 28,894 of 1,613,972 alleles (1.8%); highest among the groups gnomAD compares: Non-Finnish European, 2%; 341 homozygotes.

Submissions (6):

Labcorp Genetics (formerly Invitae), Labcorp
Classification: Benign for Kleefstra syndrome 1. Last evaluated: 2026-02-03. Review status: criteria provided, single submitter. Criteria: Invitae Variant Classification Sherloc (09022015). Collection method: clinical testing. Allele origin: germline.

Mayo Clinic Laboratories, Mayo Clinic
Classification: Benign. Last evaluated: 2022-08-11. Review status: criteria provided, single submitter. Criteria: ACMG Guidelines, 2015. Collection method: clinical testing. Allele origin: germline. Observed: 9 variant alleles.
Comment: BS1, BS2, BP4

GeneDx
Classification: Benign. Last evaluated: 2019-07-22. Review status: criteria provided, single submitter. Criteria: GeneDx Variant Classification Process June 2021. Collection method: clinical testing. Allele origin: germline. Affected: yes.

Ambry Genetics
Classification: Benign for Inborn genetic diseases. Last evaluated: 2016-04-14. Review status: criteria provided, single submitter. Criteria: Ambry Variant Classification Scheme 2023. Collection method: clinical testing. Allele origin: germline.

Breakthrough Genomics
Classification: Benign. Review status: criteria provided, single submitter. Criteria: ACMG Guidelines, 2015. Collection method: not provided. Allele origin: germline. Inheritance: Autosomal dominant inheritance. Affected: yes.

Genetic Services Laboratory, University of Chicago
Classification: Likely benign for AllHighlyPenetrant. Review status: no assertion criteria provided. Collection method: clinical testing. Allele origin: germline. Inheritance: Autosomal dominant inheritance. Not counted in ClinVar's aggregate classification.
Comment: Likely benign based on allele frequency in 1000 Genomes Project or ESP global frequency and its presence in a patient with a rare or unrelated disease phenotype. NOT Sanger confirmed.